The following is an entry in ClinVar:

NM_000444.6(PHEX):c.1738C>G (p.His580Asp)

Genes: PTCHD1-AS (PTCHD1 and PHEX antisense RNA; minus strand), PHEX (phosphate regulating endopeptidase X-linked; plus strand). Cytogenetic location: Xp22.11.
Variant type: single nucleotide variant.
Coding change: c.1738C>G on transcript NM_000444.6 (MANE Select); coding-DNA position 1738, C replaced by G.
Protein change: p.His580Asp; replaces histidine 580 with aspartic acid.
Molecular consequence: missense variant.
Genome position (GRCh38, 1-based): chrX:22,219,073, C>G. VCF-style: chrX-22219073-C-G. GRCh37 (hg19) VCF-style: chrX-22237190-C-G.
Other names: c.1738C>G, p.His580Asp (NM_001282754.2); short protein forms H580D.
Identifiers: ClinVar variation 861372 (VCV000861372.7), dbSNP rs1935183456, ClinGen allele CA412575786.

ClinVar aggregate classification (germline): Likely pathogenic (1 of 4 stars; one submission).

Submission:

Labcorp Genetics (formerly Invitae), Labcorp
Classification: Likely pathogenic. Last evaluated: 2024-12-11. Review status: criteria provided, single submitter. Criteria: Invitae Variant Classification Sherloc (09022015). Collection method: clinical testing. Allele origin: germline.
Comment: This sequence change replaces histidine, which is basic and polar, with aspartic acid, which is acidic and polar, at codon 580 of the PHEX protein (p.His580Asp). This variant is not present in population databases (gnomAD no frequency). This missense change has been observed in individual(s) with clinical features of hypophosphatemia (internal data). ClinVar contains an entry for this variant (Variation ID: 861372). Invitae Evidence Modeling of protein sequence and biophysical properties (such as structural, functional, and spatial information, amino acid conservation, physicochemical variation, residue mobility, and thermodynamic stability) indicates that this missense variant is expected to disrupt PHEX protein function with a positive predictive value of 80%. This variant disrupts the p.His580 amino acid residue in PHEX. Other variant(s) that disrupt this residue have been observed in individuals with PHEX-related conditions (PMID: 22101457), which suggests that this may be a clinically significant amino acid residue. In summary, the currently available evidence indicates that the variant is pathogenic, but additional data are needed to prove that conclusively. Therefore, this variant has been classified as Likely Pathogenic.

Literature cited by the submitters: PubMed 22101457.